The following is an entry in ClinVar:

ClinVar aggregate classification (germline): Uncertain significance (1 of 4 stars; one submission).

Conditions:
Cardiovascular phenotype. Identifiers: MedGen CN230736.

gnomAD v4.1: 1 of 1,614,144 alleles (0.000062%); no homozygotes.

Submission:

Ambry Genetics
Classification: Uncertain significance for Cardiovascular phenotype. Last evaluated: 2023-10-27. Review status: criteria provided, single submitter. Criteria: Ambry Variant Classification Scheme 2023. Collection method: clinical testing. Allele origin: germline.
Comment: The p.S560A variant (also known as c.1678T>G), located in coding exon 11 of the ABCG8 gene, results from a T to G substitution at nucleotide position 1678. The serine at codon 560 is replaced by alanine, an amino acid with similar properties. This amino acid position is conserved. In addition, this alteration is predicted to be tolerated by in silico analysis. Since supporting evidence is limited at this time, the clinical significance of this alteration remains unclear.

NM_022437.3(ABCG8):c.1678T>G (p.Ser560Ala)

Gene: ABCG8 (ATP binding cassette subfamily G member 8; plus strand). Cytogenetic location: 2p21.
Variant type: single nucleotide variant.
Coding change: c.1678T>G on transcript NM_022437.3 (MANE Select); coding-DNA position 1678, T replaced by G.
Protein change: p.Ser560Ala; replaces serine 560 with alanine.
Molecular consequence: missense variant.
Genome position (GRCh38, 1-based): chr2:43,875,335, T>G. VCF-style: chr2-43875335-T-G. GRCh37 (hg19) VCF-style: chr2-44102474-T-G.
Other names: c.1675T>G, p.Ser559Ala (NM_001357321.2); short protein forms S559A, S560A.
Identifiers: ClinVar variation 3227776 (VCV003227776.1), dbSNP rs2466283438, ClinGen allele CA346670570.